The following is an entry in ClinVar:

NM_000533.5(PLP1):c.655G>T (p.Val219Phe)

Genes: RAB9B (RAB9B, member RAS oncogene family; minus strand), PLP1 (proteolipid protein 1; plus strand). Cytogenetic location: Xq22.2.
Variant type: single nucleotide variant.
Coding change: c.655G>T on transcript NM_000533.5 (MANE Select); coding-DNA position 655, G replaced by T.
Protein change: p.Val219Phe; replaces valine 219 with phenylalanine.
Molecular consequence: missense variant.
Genome position (GRCh38, 1-based): chrX:103,788,469, G>T. VCF-style: chrX-103788469-G-T. GRCh37 (hg19) VCF-style: chrX-103043398-G-T.
Other names: V218F; c.655G>T, p.Val219Phe (NM_001128834.3); c.490G>T, p.Val164Phe (NM_001305004.1); c.550G>T, p.Val184Phe (NM_199478.3); c.655G>T (NM_000533.4); short protein forms V184F, V219F, V164F.
Identifiers: ClinVar variation 11077 (VCV000011077.5), dbSNP rs132630281, ClinGen allele CA255684.
Genomic context (GRCh38, chrX:103,788,469, plus strand): 5'-CCCTGCTTGCTTTTTGTGTCTTACTTAGGTGTTCTCCCATGGAATGCTTTCCCTGGCAAG[G>T]TTTGTGGCTCCAACCTTCTGTCCATCTGCAAAACAGCTGAGGTGAGTGGGTTATTTGGGT-3'
Protein context (NP_000524.3, residues 209-229): VLPWNAFPGK[Val219Phe]CGSNLLSICK

ClinVar aggregate classification (germline): Likely pathogenic. Review status: criteria provided, multiple submitters, no conflicts (2 of 4 stars). 4 submissions from 4 submitters: Likely pathogenic (3). 1 of the submissions does not count toward it. Last evaluated 2024-10-09.

Conditions:
Pelizaeus-Merzbacher disease. Also called: Pelizaeus-Merzbacher spectrum disorder; Pelizaeus-Merzbacher Disease (PMD); Sudanophilic leukodystrophy; LEUKODYSTROPHY, HYPOMYELINATING, 1; Pelizeaus-Merzbacher spectrum disorder. Identifiers: Orphanet 702, MedGen C0205711, MONDO:0010714, OMIM 312080, HP:0003269.

Submissions (4):

Victorian Clinical Genetics Services, Murdoch Childrens Research Institute
Classification: Likely pathogenic for Pelizaeus-Merzbacher disease. Last evaluated: 2024-10-09. Review status: criteria provided, single submitter. Criteria: ACMG Guidelines, 2015. Collection method: clinical testing. Allele origin: germline. Inheritance: X-linked recessive inheritance. Affected: no.
Comment: Based on the classification scheme VCGS_Germline_v1.3.4, this variant is classified as Likely pathogenic. Following criteria are met: 0102 - Loss of function is a known mechanism of disease in this gene and is associated with spastic paraplegia 2 (SP2) (MIM#312920). Gain of function has been speculated to be the mechanism of disease for missense variants that are associated with Pelizaeus-Merzbacher disease (PMD) (MIM#312080) (PMID: 28286750). (I) 0109 - This gene is associated with X-linked recessive disease. (I) 0115 - Variants in this gene are known to have variable expressivity. PMD and SP2 are at different ends of the same clinical spectrum, and are known to have variable phenotypes. Heterozygous females are generally either unaffected or only mildly affected compared to male family members with the same variant (OMIM, PMID: 16778599). (I) 0200 - Variant is predicted to result in a missense amino acid change from valine to phenylalanine. (I) 0251 - This variant is heterozygous. (I) 0301 - Variant is absent from gnomAD (both v2 and v3). (SP) 0501 - Missense variant consistently predicted to be damaging by multiple in silico tools or highly conserved with a major amino acid change. (SP) 0600 - Variant is located in the annotated myelin proteolipid protein domain. (I) 0705 - No comparable missense variants have previous evidence for pathogenicity. (I) 0803 - This variant has limited previous evidence of pathogenicity in unrelated individuals. This variant has been reported in the literature in multiple individuals from one family with PMD (PMID:1715570) and in one other unrelated individual with PMD (PMID:24139698). (SP) 0903 - This variant has limited evidence for segregation with disease. This variant has been shown to segregate with disease in one family (PMID:1715570). (SP) 1007 - No published functional evidence has been identified for this variant. (SP) Legend: (SP) - Supporting pathogenic, (I) - Information, (SB) - Supporting benign

Molecular Diagnostics Lab, Nemours Children's Health, Delaware
Classification: Likely pathogenic for Pelizaeus-Merzbacher disease. Last evaluated: 2021-12-27. Review status: criteria provided, single submitter. Criteria: ACMG Guidelines, 2015. Collection method: clinical testing. Allele origin: maternal, unknown. Inheritance: X-linked inheritance. Affected: yes and no. Observed: 1 heterozygote, 1 hemizygote.
Comment: This missense variant (c.655G>T, p.Val219Phe) has not been observed in population databases (gnomAD). It has been described in the literature and reported to segregate with affected males in a 4 generation family (PMID 1715570). Variant prediction programs support a deleterious effect on the protein, although no functional studies have been published.

Juno Genomics, Hangzhou Juno Genomics, Inc
Classification: Likely pathogenic for Pelizaeus-Merzbacher disease. Review status: criteria provided, single submitter. Criteria: ACMG Guidelines, 2015. Collection method: clinical testing. Allele origin: germline. Affected: yes.
Comment: Absent from controls (or at extremely low frequency if recessive) in Genome Aggregation Database.;Multiple lines of computational evidence support a deleterious effect on the gene or gene product.;The prevalence of the variant in affected individuals is significantly increased compared to the prevalence in controls.;Co-segregation with disease in multiple affected family members.;Patient's phenotype or family history is highly specific for a disease with a single genetic etiology.

OMIM
Classification: Pathogenic for PELIZAEUS-MERZBACHER DISEASE. Last evaluated: 1991-09-01. Review status: no assertion criteria provided. Collection method: literature only. Allele origin: germline. Not counted in ClinVar's aggregate classification.

Literature cited by the submitters: PubMed 1715570 (cited by 3 submitters); PubMed 16778599 (cited by Victorian Clinical Genetics Services, Murdoch Childrens Research Institute); PubMed 24139698 (cited by Victorian Clinical Genetics Services, Murdoch Childrens Research Institute); PubMed 28286750 (cited by Victorian Clinical Genetics Services, Murdoch Childrens Research Institute).